The following is an entry in ClinVar:

NM_006279.5(ST3GAL3):c.12G>A (p.Leu4=)

Gene: ST3GAL3 (ST3 beta-galactoside alpha-2,3-sialyltransferase 3; plus strand). Cytogenetic location: 1p34.1.
Variant type: single nucleotide variant.
Coding change: c.12G>A on transcript NM_006279.5 (MANE Select); coding-DNA position 12, G replaced by A.
Protein change: p.Leu4=; no amino-acid change (leucine 4 retained).
Molecular consequence: synonymous variant. On other transcripts: 5 prime UTR variant (1), non-coding transcript variant (8).
Genome position (GRCh38, 1-based): chr1:43,736,274, G>A. VCF-style: chr1-43736274-G-A. GRCh37 (hg19) VCF-style: chr1-44201945-G-A.
Other names: c.12G>A, p.Leu4= (NM_001270459.2, NM_001270460.2, NM_001270461.3 and 17 more transcripts); c.-442G>A (NM_001350621.2); c.12G>A (NM_174963.3).
Identifiers: ClinVar variation 1157208 (VCV001157208.9), dbSNP rs1034986338, ClinGen allele CA21673193.

ClinVar aggregate classification (germline): Likely benign. Review status: criteria provided, multiple submitters, no conflicts (2 of 4 stars). 2 submissions from 2 submitters: Likely benign (2). Last evaluated 2025-01-17.

Conditions:
ST3GAL3-related disorder. Also called: ST3GAL3-Related Disorders; ST3GAL3-related condition.
Early-infantile DEE. Also called: Early infantile epileptic encephalopathy; Ohtahara syndrome; Early infantile epileptic encephalopathy with suppression bursts. Identifiers: Orphanet 1934, MedGen C0393706, MONDO:0800491.

Allele frequency attached by ClinVar (database versions not stated): gnomAD exomes below 0.00001; gnomAD 0.00002 and 0.00003; TOPMed 0.00003.
gnomAD v4.1: 9 of 1,613,996 alleles (0.00056%); highest among the groups gnomAD compares: African/African-American, 0.0027%; no homozygotes.

Submissions (2):

PreventionGenetics, part of Exact Sciences
Classification: Likely benign for ST3GAL3-related condition. Last evaluated: 2025-01-17. Review status: criteria provided, single submitter. Criteria: ACMG Guidelines, 2015. Collection method: clinical testing. Allele origin: germline.
Comment: This variant is classified as likely benign based on ACMG/AMP sequence variant interpretation guidelines (Richards et al. 2015 PMID: 25741868, with internal and published modifications).

Labcorp Genetics (formerly Invitae), Labcorp
Classification: Likely benign for Early-infantile DEE. Last evaluated: 2023-03-31. Review status: criteria provided, single submitter. Criteria: Invitae Variant Classification Sherloc (09022015). Collection method: clinical testing. Allele origin: germline.